The following is an entry in ClinVar:

ClinVar aggregate classification (germline): Uncertain significance (1 of 4 stars; one submission).

Conditions:
Hereditary spastic paraplegia 3A (SPG3A). Also called: SPASTIC PARAPLEGIA 3, AUTOSOMAL DOMINANT; FAMILIAL SPASTIC PARAPLEGIA, AUTOSOMAL DOMINANT, 1; SPG3; STRUMPELL DISEASE; Spastic Paraplegia 3A; Spastic paraplegia 3A, autosomal dominant. Identifiers: Orphanet 100984, MedGen C2931355, MONDO:0008437, OMIM 182600.

Submission:

Labcorp Genetics (formerly Invitae), Labcorp
Classification: Uncertain significance for Hereditary spastic paraplegia 3A. Last evaluated: 2022-11-09. Review status: criteria provided, single submitter. Criteria: Invitae Variant Classification Sherloc (09022015). Collection method: clinical testing. Allele origin: germline.
Comment: In summary, the available evidence is currently insufficient to determine the role of this variant in disease. Therefore, it has been classified as a Variant of Uncertain Significance. This variant disrupts the p.Glu195 amino acid residue in ATL1. Other variant(s) that disrupt this residue have been determined to be pathogenic (Invitae). This suggests that this residue is clinically significant, and that variants that disrupt this residue are likely to be disease-causing. Algorithms developed to predict the effect of missense changes on protein structure and function (SIFT, PolyPhen-2, Align-GVGD) all suggest that this variant is likely to be disruptive. This variant has not been reported in the literature in individuals affected with ATL1-related conditions. This variant is not present in population databases (gnomAD no frequency). This sequence change replaces glutamic acid, which is acidic and polar, with lysine, which is basic and polar, at codon 195 of the ATL1 protein (p.Glu195Lys).

NM_015915.5(ATL1):c.583G>A (p.Glu195Lys)

Gene: ATL1 (atlastin GTPase 1; plus strand). Cytogenetic location: 14q22.1.
Variant type: single nucleotide variant.
Coding change: c.583G>A on transcript NM_015915.5 (MANE Select); coding-DNA position 583, G replaced by A.
Protein change: p.Glu195Lys; replaces glutamic acid 195 with lysine.
Molecular consequence: missense variant.
Genome position (GRCh38, 1-based): chr14:50,595,585, G>A. VCF-style: chr14-50595585-G-A. GRCh37 (hg19) VCF-style: chr14-51062303-G-A.
Other names: c.583G>A, p.Glu195Lys (NM_001127713.1, NM_181598.4); short protein forms E195K.
Identifiers: ClinVar variation 2812893 (VCV002812893.3), dbSNP rs2504503914, ClinGen allele CA389668836.
Genomic context (GRCh38, chr14:50,595,585, plus strand): 5'-TCTCTCTCTCTCTCTCTCTGTGTATGTGTGTGTGTGTAATTTTTTTTCTAGCTTTTCACT[G>A]AGTATGGCAGACTGGCAATGGAGGAAACATTCCTGAAGCCATTTCAGGTGAGCGAGTGTT-3'
Protein context (NP_056999.2, residues 185-205): DDLQHLQLFT[Glu195Lys]YGRLAMEETF